The following is an entry in ClinVar:

ClinVar aggregate classification (germline): Uncertain significance (1 of 4 stars; one submission).

gnomAD v4.1: 1 of 1,613,942 alleles (0.000062%); highest among the groups gnomAD compares: Non-Finnish European, 0.000085%; no homozygotes.

Submission:

Labcorp Genetics (formerly Invitae), Labcorp
Classification: Uncertain significance. Last evaluated: 2025-10-12. Review status: criteria provided, single submitter. Criteria: Invitae Variant Classification Sherloc (09022015). Collection method: clinical testing. Allele origin: germline.
Comment: This sequence change replaces glutamic acid, which is acidic and polar, with aspartic acid, which is acidic and polar, at codon 868 of the TOPORS protein (p.Glu868Asp). This variant is not present in population databases (gnomAD no frequency). This variant has not been reported in the literature in individuals affected with TOPORS-related conditions. Experimental studies and prediction algorithms are not available or were not evaluated, and the functional significance of this variant is currently unknown. In summary, the available evidence is currently insufficient to determine the role of this variant in disease. Therefore, it has been classified as a Variant of Uncertain Significance.

NM_005802.5(TOPORS):c.2604G>T (p.Glu868Asp)

Gene: TOPORS (TOP1 binding arginine/serine rich protein, E3 ubiquitin ligase; minus strand). Cytogenetic location: 9p21.1.
Variant type: single nucleotide variant.
Coding change: c.2604G>T on transcript NM_005802.5 (MANE Select); coding-DNA position 2604, G replaced by T.
Protein change: p.Glu868Asp; replaces glutamic acid 868 with aspartic acid.
Molecular consequence: missense variant.
Genome position (GRCh38, 1-based): chr9:32,541,921, C>A on the plus strand (G>T on the coding strand, the complement: TOPORS is on the minus strand). VCF-style: chr9-32541921-C-A. GRCh37 (hg19) VCF-style: chr9-32541919-C-A.
Other names: c.2409G>T, p.Glu803Asp (NM_001195622.2); short protein forms E868D, E803D.
Identifiers: ClinVar variation 4702155 (VCV004702155.1).